The following is an entry in ClinVar:

ClinVar aggregate classification (germline): Uncertain significance (1 of 4 stars; one submission).

Conditions:
Hereditary nonpolyposis colorectal neoplasms. Identifiers: MedGen C0009405, MeSH D003123.

gnomAD v4.1: 1 of 1,614,126 alleles (0.000062%); highest among the groups gnomAD compares: Non-Finnish European, 0.000085%; no homozygotes.

Submission:

Labcorp Genetics (formerly Invitae), Labcorp
Classification: Uncertain significance for Hereditary nonpolyposis colorectal neoplasms. Last evaluated: 2024-06-11. Review status: criteria provided, single submitter. Criteria: Invitae Variant Classification Sherloc (09022015). Collection method: clinical testing. Allele origin: germline.
Comment: This sequence change replaces leucine, which is neutral and non-polar, with phenylalanine, which is neutral and non-polar, at codon 423 of the MSH6 protein (p.Leu423Phe). This variant is not present in population databases (gnomAD no frequency). This variant has not been reported in the literature in individuals affected with MSH6-related conditions. Advanced modeling of protein sequence and biophysical properties (such as structural, functional, and spatial information, amino acid conservation, physicochemical variation, residue mobility, and thermodynamic stability) performed at Invitae indicates that this missense variant is not expected to disrupt MSH6 protein function with a negative predictive value of 95%. In summary, the available evidence is currently insufficient to determine the role of this variant in disease. Therefore, it has been classified as a Variant of Uncertain Significance.

NM_000179.3(MSH6):c.1267C>T (p.Leu423Phe)

Gene: MSH6 (mutS homolog 6; plus strand). Cytogenetic location: 2p16.3.
Variant type: single nucleotide variant.
Coding change: c.1267C>T on transcript NM_000179.3 (MANE Select); coding-DNA position 1267, C replaced by T.
Protein change: p.Leu423Phe; replaces leucine 423 with phenylalanine.
Molecular consequence: missense variant. On other transcripts: non-coding transcript variant (4), intron variant (1).
Genome position (GRCh38, 1-based): chr2:47,799,250, C>T. VCF-style: chr2-47799250-C-T. GRCh37 (hg19) VCF-style: chr2-48026389-C-T.
Other names: c.877C>T, p.Leu293Phe (NM_001281492.2); c.361C>T, p.Leu121Phe (NM_001281493.2, NM_001281494.2, NM_001406811.1 and 6 more transcripts); c.1363C>T, p.Leu455Phe (NM_001406795.1, NM_001406802.1); c.1267C>T, p.Leu423Phe (NM_001406796.1, NM_001406798.1, NM_001406800.1 and 4 more transcripts); c.970C>T, p.Leu324Phe (NM_001406797.1, NM_001406801.1, NM_001406805.1 and 10 more transcripts); c.742C>T, p.Leu248Phe (NM_001406799.1, NM_001406806.1, NM_001406807.1); c.1189C>T, p.Leu397Phe (NM_001406804.1); c.1273C>T, p.Leu425Phe (NM_001406813.1); and 2 more; short protein forms L121F, L293F, L324F, L367F, L397F, L423F, L455F, L248F.
Identifiers: ClinVar variation 2851310 (VCV002851310.3), dbSNP rs587781657, ClinGen allele CA346743969.